The following is an entry in ClinVar:

ClinVar aggregate classification (germline): Uncertain significance (1 of 4 stars; one submission).

Conditions:
Aortic aneurysm, familial thoracic 8 (AAT8). Identifiers: MedGen C3809513, MONDO:0014187, OMIM 615436.

gnomAD v4.1: 4 of 1,611,916 alleles (0.00025%); highest among the groups gnomAD compares: African/African-American, 0.0053%; no homozygotes.

Submission:

Labcorp Genetics (formerly Invitae), Labcorp
Classification: Uncertain significance for Aortic aneurysm, familial thoracic 8. Last evaluated: 2025-12-17. Review status: criteria provided, single submitter. Criteria: Invitae Variant Classification Sherloc (09022015). Collection method: clinical testing. Allele origin: germline.
Comment: This sequence change replaces asparagine, which is neutral and polar, with lysine, which is basic and polar, at codon 679 of the PRKG1 protein (p.Asn679Lys). This variant is not present in population databases (gnomAD no frequency). This variant has not been reported in the literature in individuals affected with PRKG1-related conditions. ClinVar contains an entry for this variant (Variation ID: 2200121). An algorithm developed to predict the effect of missense changes on protein structure and function (PolyPhen-2) suggests that this variant is likely to be tolerated. In summary, the available evidence is currently insufficient to determine the role of this variant in disease. Therefore, it has been classified as a Variant of Uncertain Significance.

NM_006258.4(PRKG1):c.2037C>G (p.Asn679Lys)

Gene: PRKG1 (protein kinase cGMP-dependent 1; plus strand). Cytogenetic location: 10q21.1.
Variant type: single nucleotide variant.
Coding change: c.2037C>G on transcript NM_006258.4 (MANE Select); coding-DNA position 2037, C replaced by G.
Protein change: p.Asn679Lys; replaces asparagine 679 with lysine.
Molecular consequence: missense variant.
Genome position (GRCh38, 1-based): chr10:52,293,876, C>G. VCF-style: chr10-52293876-C-G. GRCh37 (hg19) VCF-style: chr10-54053636-C-G.
Other names: c.1992C>G, p.Asn664Lys (NM_001098512.3); c.828C>G, p.Asn276Lys (NM_001374781.1); short protein forms N276K, N664K, N679K.
Identifiers: ClinVar variation 2200121 (VCV002200121.4), dbSNP rs1322320716, ClinGen allele CA376536902.